The following is an entry in ClinVar:

NM_006231.4(POLE):c.873C>A (p.Asp291Glu)

Gene: POLE (DNA polymerase epsilon, catalytic subunit; minus strand). Cytogenetic location: 12q24.33.
Variant type: single nucleotide variant.
Coding change: c.873C>A on transcript NM_006231.4 (MANE Select); coding-DNA position 873, C replaced by A.
Protein change: p.Asp291Glu; replaces aspartic acid 291 with glutamic acid.
Molecular consequence: missense variant.
Genome position (GRCh38, 1-based): chr12:132,676,582, G>T on the plus strand (C>A on the coding strand, the complement: POLE is on the minus strand). VCF-style: chr12-132676582-G-T. GRCh37 (hg19) VCF-style: chr12-133253168-G-T.
Other names: short protein forms D291E.
Identifiers: ClinVar variation 2105737 (VCV002105737.4), dbSNP rs2136015722, ClinGen allele CA387364243.

ClinVar aggregate classification (germline): Uncertain significance (1 of 4 stars; one submission).

Submission:

Labcorp Genetics (formerly Invitae), Labcorp
Classification: Uncertain significance. Last evaluated: 2025-04-23. Review status: criteria provided, single submitter. Criteria: Invitae Variant Classification Sherloc (09022015). Collection method: clinical testing. Allele origin: germline.
Comment: This sequence change replaces aspartic acid, which is acidic and polar, with glutamic acid, which is acidic and polar, at codon 291 of the POLE protein (p.Asp291Glu). This variant is not present in population databases (gnomAD no frequency). This variant has not been reported in the literature in individuals affected with POLE-related conditions. ClinVar contains an entry for this variant (Variation ID: 2105737). Invitae Evidence Modeling of protein sequence and biophysical properties (such as structural, functional, and spatial information, amino acid conservation, physicochemical variation, residue mobility, and thermodynamic stability) indicates that this missense variant is expected to disrupt POLE protein function with a positive predictive value of 80%. In summary, the available evidence is currently insufficient to determine the role of this variant in disease. Therefore, it has been classified as a Variant of Uncertain Significance.